The following is an entry in ClinVar:

ClinVar aggregate classification (germline): Uncertain significance. Review status: criteria provided, multiple submitters, no conflicts (2 of 4 stars). 2 submissions from 2 submitters: Uncertain significance (2). Last evaluated 2025-07-29.

Allele frequency attached by ClinVar (database versions not stated): gnomAD 0.00001; ExAC 0.00002; TOPMed 0.00002; gnomAD exomes 0.00005; ESP Exome Variant Server 0.00008.
gnomAD v4.1: 71 of 1,613,594 alleles (0.0044%); highest among the groups gnomAD compares: Non-Finnish European, 0.0056%; no homozygotes.

Submissions (2):

Labcorp Genetics (formerly Invitae), Labcorp
Classification: Uncertain significance. Last evaluated: 2025-07-29. Review status: criteria provided, single submitter. Criteria: Invitae Variant Classification Sherloc (09022015). Collection method: clinical testing. Allele origin: germline.
Comment: This sequence change replaces threonine, which is neutral and polar, with isoleucine, which is neutral and non-polar, at codon 1583 of the MYO7A protein (p.Thr1583Ile). This variant is present in population databases (rs373408674, gnomAD 0.005%). This variant has not been reported in the literature in individuals affected with MYO7A-related conditions. ClinVar contains an entry for this variant (Variation ID: 2200930). Invitae Evidence Modeling of protein sequence and biophysical properties (such as structural, functional, and spatial information, amino acid conservation, physicochemical variation, residue mobility, and thermodynamic stability) indicates that this missense variant is not expected to disrupt MYO7A protein function with a negative predictive value of 95%. In summary, the available evidence is currently insufficient to determine the role of this variant in disease. Therefore, it has been classified as a Variant of Uncertain Significance.

Blueprint Genetics
Classification: Uncertain significance. Last evaluated: 2023-11-24. Review status: criteria provided, single submitter. Criteria: ACMG Guidelines, 2015. Collection method: clinical testing. Allele origin: germline.

NM_000260.4(MYO7A):c.4748C>T (p.Thr1583Ile)

Gene: MYO7A (myosin VIIA; plus strand). Cytogenetic location: 11q13.5.
Variant type: single nucleotide variant.
Coding change: c.4748C>T on transcript NM_000260.4 (MANE Select); coding-DNA position 4748, C replaced by T.
Protein change: p.Thr1583Ile; replaces threonine 1583 with isoleucine.
Molecular consequence: missense variant.
Genome position (GRCh38, 1-based): chr11:77,199,714, C>T. VCF-style: chr11-77199714-C-T. GRCh37 (hg19) VCF-style: chr11-76910759-C-T.
Other names: c.4634C>T, p.Thr1545Ile (NM_001127180.2); c.4601C>T, p.Thr1534Ile (NM_001369365.1); short protein forms T1583I, T1534I, T1545I.
Identifiers: ClinVar variation 2200930 (VCV002200930.3), dbSNP rs373408674, ClinGen allele CA6198535.